The following is an entry in ClinVar:

ClinVar aggregate classification (germline): Uncertain significance. Review status: criteria provided, multiple submitters, no conflicts (2 of 4 stars). 3 submissions from 3 submitters: Uncertain significance (3). Last evaluated 2025-06-08.

Conditions:
Emery-Dreifuss muscular dystrophy 5, autosomal dominant (EDMD5). Also called: EMERY-DREIFUSS MUSCULAR DYSTROPHY 5. Identifiers: Orphanet 261, MedGen C2751805, MONDO:0013072, OMIM 612999.

Allele frequency attached by ClinVar (database versions not stated): ExAC 0.00003; gnomAD exomes 0.00004 and 0.00009; ESP Exome Variant Server 0.00008; TOPMed 0.00012; gnomAD 0.00013 and 0.00014; 1000 Genomes Project 30x 0.00016.
gnomAD v4.1: 155 of 1,613,924 alleles (0.0096%); highest among the groups gnomAD compares: African/African-American, 0.015%; no homozygotes.

Submissions (3):

Labcorp Genetics (formerly Invitae), Labcorp
Classification: Uncertain significance for Emery-Dreifuss muscular dystrophy 5, autosomal dominant. Last evaluated: 2025-06-08. Review status: criteria provided, single submitter. Criteria: Invitae Variant Classification Sherloc (09022015). Collection method: clinical testing. Allele origin: germline.
Comment: This sequence change replaces arginine, which is basic and polar, with glutamine, which is neutral and polar, at codon 4101 of the SYNE2 protein (p.Arg4101Gln). This variant is present in population databases (rs372624638, gnomAD 0.02%). This variant has not been reported in the literature in individuals affected with SYNE2-related conditions. ClinVar contains an entry for this variant (Variation ID: 281844). An algorithm developed to predict the effect of missense changes on protein structure and function (PolyPhen-2) suggests that this variant is likely to be tolerated. In summary, the available evidence is currently insufficient to determine the role of this variant in disease. Therefore, it has been classified as a Variant of Uncertain Significance.

Ambry Genetics
Classification: Uncertain significance. Last evaluated: 2024-01-04. Review status: criteria provided, single submitter. Criteria: Ambry Variant Classification Scheme 2023. Collection method: clinical testing. Allele origin: germline.

Eurofins Ntd Llc (ga)
Classification: Uncertain significance. Last evaluated: 2015-07-21. Review status: criteria provided, single submitter. Criteria: EGL Classification Definitions 2015. Collection method: clinical testing. Allele origin: germline. Observed: 2 variant alleles, 2 heterozygotes.

NM_182914.3(SYNE2):c.12302G>A (p.Arg4101Gln)

Gene: SYNE2 (spectrin repeat containing nuclear envelope protein 2; plus strand). Cytogenetic location: 14q23.2.
Variant type: single nucleotide variant.
Coding change: c.12302G>A on transcript NM_182914.3 (MANE Select); coding-DNA position 12302, G replaced by A.
Protein change: p.Arg4101Gln; replaces arginine 4101 with glutamine.
Molecular consequence: missense variant.
Genome position (GRCh38, 1-based): chr14:64,098,142, G>A. VCF-style: chr14-64098142-G-A. GRCh37 (hg19) VCF-style: chr14-64564860-G-A.
Other names: c.12302G>A, p.Arg4101Gln (NM_015180.6); short protein forms R4101Q.
Identifiers: ClinVar variation 281844 (VCV000281844.15), dbSNP rs372624638, ClinGen allele CA7222062.